The following is an entry in ClinVar:

ClinVar aggregate classification (germline): Conflicting classifications of pathogenicity. Review status: criteria provided, conflicting classifications (1 of 4 stars). 3 submissions from 3 submitters: Uncertain significance (2); Likely benign (1). Last evaluated 2025-04-21.

Conditions:
Hereditary cancer-predisposing syndrome. Also called: Tumor predisposition; Hereditary neoplastic syndrome; Hereditary Cancer Syndrome; Neoplastic Syndromes, Hereditary. Identifiers: Orphanet 140162, MedGen C0027672, MeSH D009386, MONDO:0015356.

Submissions (3):

Labcorp Genetics (formerly Invitae), Labcorp
Classification: Uncertain significance. Last evaluated: 2025-04-21. Review status: criteria provided, single submitter. Criteria: Invitae Variant Classification Sherloc (09022015). Collection method: clinical testing. Allele origin: germline.
Comment: This sequence change replaces alanine, which is neutral and non-polar, with valine, which is neutral and non-polar, at codon 1510 of the POLE protein (p.Ala1510Val). Information on the frequency of this variant in the gnomAD database is not available, as this variant may be reported differently in the database. This variant has not been reported in the literature in individuals affected with POLE-related conditions. ClinVar contains an entry for this variant (Variation ID: 576750). An algorithm developed to predict the effect of missense changes on protein structure and function (PolyPhen-2) suggests that this variant is likely to be tolerated. In summary, the available evidence is currently insufficient to determine the role of this variant in disease. Therefore, it has been classified as a Variant of Uncertain Significance.

Ambry Genetics
Classification: Likely benign for Hereditary cancer-predisposing syndrome. Last evaluated: 2025-01-07. Review status: criteria provided, single submitter. Criteria: Ambry Variant Classification Scheme 2023. Collection method: clinical testing. Allele origin: germline.

Women's Health and Genetics/Laboratory Corporation of America, LabCorp
Classification: Uncertain significance. Last evaluated: 2024-01-11. Review status: criteria provided, single submitter. Criteria: LabCorp Variant Classification Summary - May 2015. Collection method: clinical testing. Allele origin: germline.
Comment: Variant summary: POLE c.4529_4530delinsTG (p.Ala1510Val) results in a non-conservative amino acid change in the encoded protein sequence. Two of four in-silico tools predict a benign effect of the variant on protein function. The variant was absent in 277818 control chromosomes (gnomAD). The available data on variant occurrences in the general population are insufficient to allow any conclusion about variant significance. c.4529_4530delinsTG has been reported in the literature in an individual affected with Colon Cancer without confirmation of germline inheritance (Garmezy_2022). This report does not provide unequivocal conclusions about association of the variant with Colorectal Cancer. To our knowledge, no experimental evidence demonstrating an impact on protein function has been reported. The following publication has been ascertained in the context of this evaluation (PMID: 35108036). ClinVar contains an entry for this variant (Variation ID: 576750). Based on the evidence outlined above, the variant was classified as uncertain significance.

Literature cited by the submitters: PubMed 35108036 (cited by Women's Health and Genetics/Laboratory Corporation of America, LabCorp).

NM_006231.4(POLE):c.4529_4530inv (p.Ala1510Val)

Gene: POLE (DNA polymerase epsilon, catalytic subunit; minus strand). Cytogenetic location: 12q24.33.
Variant type: Inversion.
Coding change: c.4529_4530inv on transcript NM_006231.4 (MANE Select).
Protein change: p.Ala1510Val; replaces alanine 1510 with valine.
Molecular consequence: missense variant.
Genome position: GRCh38 VCF-style: chr12-132643245-TG-CA. GRCh37 (hg19) VCF-style: chr12-133219831-TG-CA.
Other names: c.4529_4530delinsTG (NM_006231.4); c.4529_4530delCAinsTG (NM_006231.2); short protein forms A1510V.
Identifiers: ClinVar variation 576750 (VCV000576750.13), ClinGen allele CA891843965.